The following is an entry in ClinVar:

NM_001079866.2(BCS1L):c.355C>T (p.Arg119Ter)

Gene: BCS1L (BCS1 ubiquinol-cytochrome c reductase complex chaperone; plus strand). Cytogenetic location: 2q35.
Variant type: single nucleotide variant.
Coding change: c.355C>T on transcript NM_001079866.2 (MANE Select); coding-DNA position 355, C replaced by T.
Protein change: p.Arg119Ter; replaces arginine 119 with a stop codon.
Molecular consequence: nonsense. On other transcripts: 5 prime UTR variant (7), non-coding transcript variant (1), intron variant (1).
Genome position (GRCh38, 1-based): chr2:218,661,440, C>T. VCF-style: chr2-218661440-C-T. GRCh37 (hg19) VCF-style: chr2-219526163-C-T.
Other names: c.355C>T, p.Arg119Ter (NM_001257342.2, NM_001257343.2, NM_001257344.2 and 10 more transcripts); c.-6C>T (NM_001318836.2, NM_001371451.1); c.-122C>T (NM_001371453.1, NM_001371454.1, NM_001371455.1 and 2 more transcripts); c.-41-319C>T (NM_001371452.1); short protein forms R119*.
Identifiers: ClinVar variation 863524 (VCV000863524.18), dbSNP rs770749420, ClinGen allele CA2109654.

ClinVar aggregate classification (germline): Pathogenic/Likely pathogenic. Review status: criteria provided, multiple submitters, no conflicts (2 of 4 stars). 7 submissions from 7 submitters: Pathogenic (1); Likely pathogenic (6). Last evaluated 2026-01-18.

Conditions:
Pili torti-deafness syndrome (BJS). Also called: PILI TORTI AND NERVE DEAFNESS; Bjornstad syndrome. Identifiers: Orphanet 123, MedGen C0266006, MONDO:0009872, OMIM 262000.
GRACILE syndrome (FLNMS). Also called: FELLMAN SYNDROME; FINNISH LETHAL NEONATAL METABOLIC SYNDROME. Identifiers: Orphanet 53693, MedGen C1864002, MONDO:0011308, OMIM 603358.
Mitochondrial complex III deficiency nuclear type 1. Identifiers: Orphanet 254902, MedGen C3541471, MONDO:0007415, OMIM 124000.

Allele frequency attached by ClinVar (database versions not stated): gnomAD exomes 0.00001 and 0.00004; TOPMed 0.00001; ExAC 0.00005.
gnomAD v4.1: 22 of 1,614,122 alleles (0.0014%); highest among the groups gnomAD compares: South Asian, 0.015%; no homozygotes.

Submissions (7):

Labcorp Genetics (formerly Invitae), Labcorp
Classification: Pathogenic. Last evaluated: 2026-01-18. Review status: criteria provided, single submitter. Criteria: Invitae Variant Classification Sherloc (09022015). Collection method: clinical testing. Allele origin: germline.
Comment: This sequence change creates a premature translational stop signal (p.Arg119*) in the BCS1L gene. It is expected to result in an absent or disrupted protein product. Loss-of-function variants in BCS1L are known to be pathogenic (PMID: 12215968, 17314340, 19162478, 19508421, 22277166, 25895478). This variant is present in population databases (rs770749420, gnomAD 0.02%). This variant has not been reported in the literature in individuals affected with BCS1L-related conditions. ClinVar contains an entry for this variant (Variation ID: 863524). Algorithms developed to predict the effect of sequence changes on RNA splicing suggest that this variant may disrupt the consensus splice site. For these reasons, this variant has been classified as Pathogenic.

Natera, Inc.
Classification: Likely pathogenic for GRACILE syndrome. Last evaluated: 2025-07-15. Review status: criteria provided, single submitter. Criteria: Natera Variant Classification Schema (03/2026). Collection method: clinical testing. Allele origin: germline.
Comment: The c.355C>T variant in BCS1L is a nonsense variant predicted to introduce a stop codon at amino acid 119. This variant is expected to result in nonsense mediated decay, truncation, or a dysfunctional protein product. This variant is rare in the general population with a frequency below the threshold expected for the associated phenotype(s). Given the available evidence, this variant is classified as Likely Pathogenic.

Fulgent Genetics
Classification: Likely pathogenic for Mitochondrial complex III deficiency nuclear type 1; Pili torti-deafness syndrome; GRACILE syndrome. Last evaluated: 2024-05-07. Review status: criteria provided, single submitter. Criteria: ACMG Guidelines, 2015. Collection method: clinical testing. Allele origin: germline.

Service de Génétique Médicale, Centre Hospitalier Universitaire de Nice-Université Côte d'Azur
Classification: Likely pathogenic for Mitochondrial complex III deficiency nuclear type 1. Last evaluated: 2024-02-27. Review status: criteria provided, single submitter. Criteria: ACMG Guidelines, 2015. Collection method: clinical testing. Allele origin: germline. Affected: yes.

Baylor Genetics
Classification: Likely pathogenic for Pili torti-deafness syndrome. Last evaluated: 2024-01-20. Review status: criteria provided, single submitter. Criteria: ACMG Guidelines, 2015. Collection method: clinical testing. Allele origin: unknown.

Revvity Omics, Revvity
Classification: Likely pathogenic. Last evaluated: 2022-06-03. Review status: criteria provided, single submitter. Criteria: ACMG Guidelines, 2015. Collection method: clinical testing. Allele origin: germline.

Juno Genomics, Hangzhou Juno Genomics, Inc
Classification: Likely pathogenic for Pili torti-deafness syndrome; GRACILE syndrome; Mitochondrial complex III deficiency nuclear type 1. Review status: criteria provided, single submitter. Criteria: ACMG Guidelines, 2015. Collection method: clinical testing. Allele origin: germline.
Comment: Null variant in a gene where loss of function (LOF) is a known mechanism of disease.;Absent from controls (or at extremely low frequency if recessive) in Genome Aggregation Database.

Literature cited by the submitters: PubMed 12215968 (cited by Labcorp Genetics (formerly Invitae), Labcorp); PubMed 17314340 (cited by Labcorp Genetics (formerly Invitae), Labcorp); PubMed 19162478 (cited by Labcorp Genetics (formerly Invitae), Labcorp); PubMed 19508421 (cited by Labcorp Genetics (formerly Invitae), Labcorp); PubMed 22277166 (cited by Labcorp Genetics (formerly Invitae), Labcorp); PubMed 25895478 (cited by Labcorp Genetics (formerly Invitae), Labcorp); PubMed 38703036 (cited by Service de Génétique Médicale, Centre Hospitalier Universitaire de Nice-Université Côte d'Azur).